The following is an entry in ClinVar:

NM_001130987.2(DYSF):c.584del (p.Gln195fs)

Gene: DYSF (dysferlin; plus strand). Cytogenetic location: 2p13.2.
Variant type: Deletion.
Coding change: c.584del on transcript NM_001130987.2 (MANE Select); coding-DNA position 584, one base deleted (A; older notation c.584delA).
Protein change: p.Gln195fs; shifts the reading frame from glutamine 195.
Molecular consequence: frameshift variant.
Genome position (GRCh38, 1-based): chr2:71,513,746, A deleted. VCF-style (leftmost placement, unchanged base first): chr2-71513745-CA-C. GRCh37 (hg19) VCF-style: chr2-71740875-CA-C.
Other names: c.584del, p.Gln195fs (NM_001130982.2, NM_001130985.2); c.491del, p.Gln164fs (NM_001130983.2, NM_001130984.2, NM_001130986.2 and 1 more transcripts); c.488del, p.Gln163fs (NM_003494.4, NM_001130976.2, NM_001130977.2 and 1 more transcripts); c.581del, p.Gln194fs (NM_001130979.2, NM_001130980.2, NM_001130981.2); short protein forms Q164fs, Q194fs, Q163fs, Q195fs.
Identifiers: ClinVar variation 3662649 (VCV003662649.2).

ClinVar aggregate classification (germline): Pathogenic (1 of 4 stars; one submission).

Conditions:
Neuromuscular disease caused by qualitative or quantitative defects of dysferlin. Also called: Dysferlinopathy; Qualitative or quantitative defects of dysferlin. Identifiers: Orphanet 207073, MedGen C2931687, MONDO:0016145.

Submission:

Labcorp Genetics (formerly Invitae), Labcorp
Classification: Pathogenic for Neuromuscular disease caused by qualitative or quantitative defects of dysferlin. Last evaluated: 2024-10-29. Review status: criteria provided, single submitter. Criteria: Invitae Variant Classification Sherloc (09022015). Collection method: clinical testing. Allele origin: germline.
Comment: This sequence change creates a premature translational stop signal (p.Gln163Argfs*64) in the DYSF gene. It is expected to result in an absent or disrupted protein product. Loss-of-function variants in DYSF are known to be pathogenic (PMID: 17698709, 20301480). This variant is not present in population databases (gnomAD no frequency). This variant has not been reported in the literature in individuals affected with DYSF-related conditions. For these reasons, this variant has been classified as Pathogenic.

Literature cited by the submitters: PubMed 17698709; PubMed 20301480.